The following is an entry in ClinVar:

NM_002439.5(MSH3):c.1655C>G (p.Thr552Ser)

Gene: MSH3 (mutS homolog 3; plus strand). Cytogenetic location: 5q14.1.
Variant type: single nucleotide variant.
Coding change: c.1655C>G on transcript NM_002439.5 (MANE Select); coding-DNA position 1655, C replaced by G.
Protein change: p.Thr552Ser; replaces threonine 552 with serine.
Molecular consequence: missense variant.
Genome position (GRCh38, 1-based): chr5:80,744,507, C>G. VCF-style: chr5-80744507-C-G. GRCh37 (hg19) VCF-style: chr5-80040326-C-G.
Other names: short protein forms T552S.
Identifiers: ClinVar variation 4860331 (VCV004860331.1).

ClinVar aggregate classification (germline): Uncertain significance (1 of 4 stars; one submission).

Conditions:
Hereditary cancer-predisposing syndrome. Also called: Neoplastic Syndromes, Hereditary; Tumor predisposition; Hereditary Cancer Syndrome; Hereditary neoplastic syndrome. Identifiers: Orphanet 140162, MedGen C0027672, MeSH D009386, MONDO:0015356.

Submission:

Ambry Genetics
Classification: Uncertain significance for Hereditary cancer-predisposing syndrome. Last evaluated: 2026-04-19. Review status: criteria provided, single submitter. Criteria: Ambry Variant Classification Scheme 2023. Collection method: clinical testing. Allele origin: germline.
Comment: The p.T552S variant (also known as c.1655C>G), located in coding exon 12 of the MSH3 gene, results from a C to G substitution at nucleotide position 1655. The threonine at codon 552 is replaced by serine, an amino acid with similar properties. This amino acid position is conserved. In addition, this alteration is predicted to be tolerated by in silico analysis. Based on the available evidence, the clinical significance of this variant remains unclear.